The following is an entry in ClinVar:

ClinVar aggregate classification (germline): Uncertain significance. Review status: criteria provided, multiple submitters, no conflicts (2 of 4 stars). 3 submissions from 3 submitters: Uncertain significance (3). Last evaluated 2025-10-22.

Conditions:
Granulomatous disease, chronic, autosomal recessive, cytochrome b-positive, type 2. Also called: CGD, AUTOSOMAL RECESSIVE CYTOCHROME b-POSITIVE, TYPE II; Chronic Granulomatous Disease, Autosomal Recessive, Cytochrome b-Positive, Type II; GRANULOMATOUS DISEASE, CHRONIC, DUE TO NCF2 DEFICIENCY; GRANULOMATOUS DISEASE, CHRONIC, AUTOSOMAL RECESSIVE, 2; Chronic granulomatous disease due to deficiency of NCF-2. Identifiers: Orphanet 379, MedGen C1856245, MONDO:0009310, OMIM 233710.
Inborn genetic diseases. Identifiers: MedGen C0950123, MeSH D030342.

Allele frequency attached by ClinVar (database versions not stated): gnomAD 0.00001; ExAC 0.00002; gnomAD exomes 0.00002; TOPMed 0.00002; ESP Exome Variant Server 0.00008.
gnomAD v4.1: 89 of 1,614,044 alleles (0.0055%); highest among the groups gnomAD compares: Non-Finnish European, 0.0075%; no homozygotes.

Submissions (3):

Ambry Genetics
Classification: Uncertain significance for Inborn genetic diseases. Last evaluated: 2025-10-22. Review status: criteria provided, single submitter. Criteria: Ambry Variant Classification Scheme 2023. Collection method: clinical testing. Allele origin: germline.

Blueprint Genetics
Classification: Uncertain significance. Last evaluated: 2024-06-28. Review status: criteria provided, single submitter. Criteria: ACMG Guidelines, 2015. Collection method: clinical testing. Allele origin: germline.

Labcorp Genetics (formerly Invitae), Labcorp
Classification: Uncertain significance for Granulomatous disease, chronic, autosomal recessive, cytochrome b-positive, type 2. Last evaluated: 2021-08-31. Review status: criteria provided, single submitter. Criteria: Invitae Variant Classification Sherloc (09022015). Collection method: clinical testing. Allele origin: germline.
Comment: This sequence change replaces tryptophan with cysteine at codon 414 of the NCF2 protein (p.Trp414Cys). The tryptophan residue is highly conserved and there is a large physicochemical difference between tryptophan and cysteine. This variant is present in population databases (rs377591562, ExAC 0.004%). This variant has not been reported in the literature in individuals affected with NCF2-related conditions. Algorithms developed to predict the effect of missense changes on protein structure and function (SIFT, PolyPhen-2, Align-GVGD) all suggest that this variant is likely to be disruptive. In summary, the available evidence is currently insufficient to determine the role of this variant in disease. Therefore, it has been classified as a Variant of Uncertain Significance.

NM_000433.4(NCF2):c.1242G>T (p.Trp414Cys)

Gene: NCF2 (neutrophil cytosolic factor 2; minus strand). Cytogenetic location: 1q25.3.
Variant type: single nucleotide variant.
Coding change: c.1242G>T on transcript NM_000433.4 (MANE Select); coding-DNA position 1242, G replaced by T.
Protein change: p.Trp414Cys; replaces tryptophan 414 with cysteine.
Molecular consequence: missense variant.
Genome position (GRCh38, 1-based): chr1:183,563,243, C>A on the plus strand (G>T on the coding strand, the complement: NCF2 is on the minus strand). VCF-style: chr1-183563243-C-A. GRCh37 (hg19) VCF-style: chr1-183532378-C-A.
Other names: c.1242G>T (NM_000433.3); c.1242G>T, p.Trp414Cys (NM_001127651.3); c.999G>T, p.Trp333Cys (NM_001190789.2); c.1107G>T, p.Trp369Cys (NM_001190794.2); short protein forms W333C, W414C, W369C.
Identifiers: ClinVar variation 1493980 (VCV001493980.7), dbSNP rs377591562, ClinGen allele CA1284634.